The following is an entry in ClinVar:

NM_001658.4(ARF1):c.334_358del (p.Ala112fs)

Genes: ARF1 (ARF GTPase 1; plus strand), LOC126806039 (CDK7 strongly-dependent group 2 enhancer GRCh37_chr1:228284937-228286136; plus strand). Cytogenetic location: 1q42.13.
Variant type: Deletion.
Coding change: c.334_358del on transcript NM_001658.4 (MANE Select); coding-DNA positions 334 to 358, 25 bases deleted (GCCGAGGACGAGCTCCGGGATGCTG).
Protein change: p.Ala112fs; shifts the reading frame from alanine 112.
Molecular consequence: frameshift variant.
Genome position (GRCh38, 1-based): chr1:228,097,665-228,097,689, GCCGAGGACGAGCTCCGGGATGCTG deleted; deleting any 25 consecutive bases within chr1:228,097,657-228,097,689 gives the same sequence; the c. name uses the placement nearest the transcript's 3' end. VCF-style (leftmost placement, unchanged base first): chr1-228097656-AGGATGCTGGCCGAGGACGAGCTCCG-A. GRCh37 (hg19) VCF-style: chr1-228285357-AGGATGCTGGCCGAGGACGAGCTCCG-A.
Other names: c.334_358del, p.Ala112fs (NM_001024226.2, NM_001024227.1, NM_001024228.2); short protein forms A112fs.
Identifiers: ClinVar variation 2579992 (VCV002579992.1), dbSNP rs752138967, ClinGen allele CA1429730.

ClinVar aggregate classification (germline): Uncertain significance (1 of 4 stars; one submission).

Submission:

GeneDx
Classification: Uncertain significance. Last evaluated: 2022-11-29. Review status: criteria provided, single submitter. Criteria: GeneDx Variant Classification Process June 2021. Collection method: clinical testing. Allele origin: germline. Affected: yes.
Comment: Not observed at significant frequency in large population cohorts (gnomAD); Frameshift variant predicted to result in protein truncation in a gene or region of a gene for which loss of function is not a well-established mechanism of disease; Has not been previously published as pathogenic or benign to our knowledge; Variants in candidate genes are classified as variants of uncertain significance in accordance with ACMG guidelines (Richards et al., 2015)